The following is an entry in ClinVar:

NM_004092.4(ECHS1):c.115G>A (p.Glu39Lys)

Gene: ECHS1 (enoyl-CoA hydratase, short chain 1; minus strand). Cytogenetic location: 10q26.3.
Variant type: single nucleotide variant.
Coding change: c.115G>A on transcript NM_004092.4 (MANE Select); coding-DNA position 115, G replaced by A.
Protein change: p.Glu39Lys; replaces glutamic acid 39 with lysine.
Molecular consequence: missense variant.
Genome position (GRCh38, 1-based): chr10:133,370,731, C>T on the plus strand (G>A on the coding strand, the complement: ECHS1 is on the minus strand). VCF-style: chr10-133370731-C-T. GRCh37 (hg19) VCF-style: chr10-135184235-C-T.
Other names: short protein forms E39K.
Identifiers: ClinVar variation 5037722 (VCV005037722.1).

ClinVar aggregate classification (germline): Uncertain significance (1 of 4 stars; one submission).

gnomAD v4.1: 12 of 1,612,114 alleles (0.00074%); highest among the groups gnomAD compares: Middle Eastern, 0.05%; no homozygotes.

Submission:

GeneDx
Classification: Uncertain significance. Last evaluated: 2026-04-20. Review status: criteria provided, single submitter. Criteria: GeneDx Variant Classification Process June 2021. Collection method: clinical testing. Allele origin: germline.
Comment: Not observed at significant frequency in large population cohorts (gnomAD); In silico analysis supports that this missense variant has a deleterious effect on protein structure/function; Has not been previously published as pathogenic or benign to our knowledge; In silico analysis is inconclusive as to whether the variant alters gene splicing. In the absence of RNA/functional studies, the actual effect of this sequence change is unknown.